The following is an entry in ClinVar:

ClinVar aggregate classification (germline): Uncertain significance (1 of 4 stars; one submission).

Allele frequency attached by ClinVar (database versions not stated): gnomAD 0.00001 and 0.00003; TOPMed 0.00002; gnomAD exomes 0.00003 and 0.00009; ESP Exome Variant Server 0.00008; ExAC 0.00013; 1000 Genomes Project 30x 0.00031; 1000 Genomes Project 0.00040.
gnomAD v4.1: 51 of 1,614,136 alleles (0.0032%); highest among the groups gnomAD compares: South Asian, 0.033%; no homozygotes.

Submission:

Labcorp Genetics (formerly Invitae), Labcorp
Classification: Uncertain significance. Last evaluated: 2023-11-13. Review status: criteria provided, single submitter. Criteria: Invitae Variant Classification Sherloc (09022015). Collection method: clinical testing. Allele origin: germline.
Comment: This sequence change replaces glycine, which is neutral and non-polar, with serine, which is neutral and polar, at codon 182 of the CARD8 protein (p.Gly182Ser). This variant is present in population databases (rs370395701, gnomAD 0.06%), and has an allele count higher than expected for a pathogenic variant. This variant has not been reported in the literature in individuals affected with CARD8-related conditions. ClinVar contains an entry for this variant (Variation ID: 1423065). An algorithm developed to predict the effect of missense changes on protein structure and function (PolyPhen-2) suggests that this variant is likely to be disruptive. In summary, the available evidence is currently insufficient to determine the role of this variant in disease. Therefore, it has been classified as a Variant of Uncertain Significance.

NM_001184900.3(CARD8):c.694G>A (p.Gly232Ser)

Gene: CARD8 (caspase recruitment domain family member 8; minus strand). Cytogenetic location: 19q13.33.
Variant type: single nucleotide variant.
Coding change: c.694G>A on transcript NM_001184900.3 (MANE Select); coding-DNA position 694, G replaced by A.
Protein change: p.Gly232Ser; replaces glycine 232 with serine.
Molecular consequence: missense variant. On other transcripts: non-coding transcript variant (4).
Genome position (GRCh38, 1-based): chr19:48,230,855, C>T on the plus strand (G>A on the coding strand, the complement: CARD8 is on the minus strand). VCF-style: chr19-48230855-C-T. GRCh37 (hg19) VCF-style: chr19-48734112-C-T.
Other names: c.544G>A, p.Gly182Ser (NM_001184901.1, NM_001351783.2, NM_001351788.2 and 2 more transcripts); c.694G>A, p.Gly232Ser (NM_001184902.2, NM_001184903.1, NM_001351782.2); c.379G>A, p.Gly127Ser (NM_001351784.2, NM_001351787.2, NM_001351791.2 and 2 more transcripts); c.358G>A, p.Gly120Ser (NM_001351786.2); c.451G>A, p.Gly151Ser (NM_001351790.2); short protein forms G120S, G232S, G127S, G151S, G182S.
Identifiers: ClinVar variation 1423065 (VCV001423065.6), dbSNP rs370395701, ClinGen allele CA9547950.